The following is an entry in ClinVar:

ClinVar aggregate classification (germline): Uncertain significance (1 of 4 stars; one submission).

Conditions:
Cohen syndrome (COH1). Also called: PEPPER SYNDROME; Cutis verticis gyrata, retinitis pigmentosa, and sensorineural deafness. Identifiers: Orphanet 193, MedGen C0265223, MONDO:0008999, OMIM 216550.

Submission:

Labcorp Genetics (formerly Invitae), Labcorp
Classification: Uncertain significance for Cohen syndrome. Last evaluated: 2020-11-09. Review status: criteria provided, single submitter. Criteria: Invitae Variant Classification Sherloc (09022015). Collection method: clinical testing. Allele origin: germline.
Comment: In summary, the available evidence is currently insufficient to determine the role of this variant in disease. Therefore, it has been classified as a Variant of Uncertain Significance. Algorithms developed to predict the effect of missense changes on protein structure and function are either unavailable or do not agree on the potential impact of this missense change (SIFT: "Not Available"; PolyPhen-2: "Benign"; Align-GVGD: "Not Available"). This variant has not been reported in the literature in individuals with VPS13B-related conditions. This variant is not present in population databases (ExAC no frequency). This sequence change replaces serine with arginine at codon 1419 of the VPS13B protein (p.Ser1419Arg). The serine residue is weakly conserved and there is a moderate physicochemical difference between serine and arginine.

NM_017890.5(VPS13B):c.4255A>C (p.Ser1419Arg)

Gene: VPS13B (vacuolar protein sorting 13 homolog B; plus strand). Cytogenetic location: 8q22.2.
Variant type: single nucleotide variant.
Coding change: c.4255A>C on transcript NM_017890.5 (MANE Plus Clinical); coding-DNA position 4255, A replaced by C.
Protein change: p.Ser1419Arg; replaces serine 1419 with arginine.
Molecular consequence: missense variant. On other transcripts: intron variant (1).
Genome position (GRCh38, 1-based): chr8:99,507,867, A>C. VCF-style: chr8-99507867-A-C. GRCh37 (hg19) VCF-style: chr8-100520095-A-C.
Other names: c.4224+664A>C (NM_152564.5); short protein forms S1419R.
Identifiers: ClinVar variation 1047551 (VCV001047551.7), dbSNP rs1821583064, ClinGen allele CA371870805.